The following is an entry in ClinVar:

ClinVar aggregate classification (germline): Uncertain significance. Review status: criteria provided, multiple submitters, no conflicts (2 of 4 stars). 2 submissions from 2 submitters: Uncertain significance (2). Last evaluated 2025-10-13.

Conditions:
Hereditary cancer-predisposing syndrome. Also called: Neoplastic Syndromes, Hereditary; Tumor predisposition; Hereditary Cancer Syndrome; Hereditary neoplastic syndrome. Identifiers: Orphanet 140162, MedGen C0027672, MeSH D009386, MONDO:0015356.

Submissions (2):

Color Diagnostics, LLC DBA Color Health
Classification: Uncertain significance for Hereditary cancer-predisposing syndrome. Last evaluated: 2025-10-13. Review status: criteria provided, single submitter. Criteria: ACMG Guidelines, 2015. Collection method: clinical testing. Allele origin: germline.
Comment: This missense variant replaces glycine with arginine at codon 720 of the PMS2 protein. Computational prediction suggests that this variant may not impact protein structure and function. To our knowledge, functional studies have not been reported for this variant. This variant has not been reported in individuals affected with PMS2-related disorders in the literature. This variant has not been identified in the general population by the Genome Aggregation Database (gnomAD). The available evidence is insufficient to determine the role of this variant in disease conclusively. Therefore, this variant is classified as a Variant of Uncertain Significance.

Ambry Genetics
Classification: Uncertain significance for Hereditary cancer-predisposing syndrome. Last evaluated: 2024-09-21. Review status: criteria provided, single submitter. Criteria: Ambry Variant Classification Scheme 2023. Collection method: clinical testing. Allele origin: germline.
Comment: The p.G720R variant (also known as c.2158G>A), located in coding exon 12 of the PMS2 gene, results from a G to A substitution at nucleotide position 2158. The glycine at codon 720 is replaced by arginine, an amino acid with dissimilar properties. This amino acid position is conserved. In addition, the in silico prediction for this alteration is inconclusive. Based on the available evidence, the clinical significance of this variant remains unclear.

NM_000535.7(PMS2):c.2158G>A (p.Gly720Arg)

Gene: PMS2 (PMS1 homolog 2, mismatch repair system component; minus strand). Cytogenetic location: 7p22.1.
Variant type: single nucleotide variant.
Coding change: c.2158G>A on transcript NM_000535.7 (MANE Select); coding-DNA position 2158, G replaced by A.
Protein change: p.Gly720Arg; replaces glycine 720 with arginine.
Molecular consequence: missense variant. On other transcripts: non-coding transcript variant (1), intron variant (4).
Genome position (GRCh38, 1-based): chr7:5,982,840, C>T on the plus strand (G>A on the coding strand, the complement: PMS2 is on the minus strand). VCF-style: chr7-5982840-C-T. GRCh37 (hg19) VCF-style: chr7-6022471-C-T.
Other names: c.1753G>A, p.Gly585Arg (NM_001322003.2, NM_001322004.2, NM_001322005.2 and 14 more transcripts); c.2002G>A, p.Gly668Arg (NM_001322006.2, NM_001406870.1); c.1840G>A, p.Gly614Arg (NM_001322007.2, NM_001322008.2, NM_001406876.1 and 1 more transcripts); c.1597G>A, p.Gly533Arg (NM_001322010.2, NM_001406906.1, NM_001406907.1); c.1225G>A, p.Gly409Arg (NM_001322011.2, NM_001322012.2); c.1585G>A, p.Gly529Arg (NM_001322013.2, NM_001406909.1); c.2158G>A, p.Gly720Arg (NM_001322014.2, NM_001406871.1); c.1849G>A, p.Gly617Arg (NM_001322015.2, NM_001406875.1, NM_001406877.1 and 5 more transcripts); and 16 more; short protein forms G463R, G562R, G598R, G608R, G612R, G654R, G668R, G409R.
Identifiers: ClinVar variation 3421512 (VCV003421512.2).